The following is an entry in ClinVar:

NM_138295.5(PKD1L1):c.1529_1530dup (p.Val511fs)

Gene: PKD1L1 (polycystin 1 like 1, transient receptor potential channel interacting; minus strand). Cytogenetic location: 7p12.3.
Variant type: Microsatellite.
Coding change: c.1529_1530dup on transcript NM_138295.5 (MANE Select); coding-DNA positions 1529 to 1530, 2 bases duplicated (CT; older notation c.1529_1530dupCT).
Protein change: p.Val511fs; shifts the reading frame from valine 511.
Molecular consequence: frameshift variant.
Genome position (GRCh38, 1-based): chr7:47,905,318-47,905,319, AG duplicated on the plus strand (CT on the coding strand, the reverse complement: PKD1L1 is on the minus strand); duplicating any 2 consecutive bases within chr7:47,905,318-47,905,322 gives the same sequence; the c. name uses the placement nearest the transcript's 3' end. VCF-style (leftmost placement, unchanged base first): chr7-47905317-C-CAG. GRCh37 (hg19) VCF-style: chr7-47944914-C-CAG.
Other names: short protein forms V511fs.
Identifiers: ClinVar variation 5019077 (VCV005019077.2).

ClinVar aggregate classification (germline): Likely pathogenic (1 of 4 stars; one submission).

Conditions:
Heterotaxy, visceral, 8, autosomal (HTX8). Identifiers: MONDO:0014967, OMIM 617205, MedGen C4310668.

Submission:

Juno Genomics, Hangzhou Juno Genomics, Inc
Classification: Likely pathogenic for Heterotaxy, visceral, 8, autosomal. Review status: criteria provided, single submitter. Criteria: ACMG Guidelines, 2015. Collection method: clinical testing. Allele origin: germline.
Comment: Absent from controls (or at extremely low frequency if recessive) in Genome Aggregation Database.;Null variant in a gene where loss of function (LOF) is a known mechanism of disease.